The following is an entry in ClinVar:

ClinVar aggregate classification (germline): Uncertain significance. Review status: criteria provided, multiple submitters, no conflicts (2 of 4 stars). 2 submissions from 2 submitters: Uncertain significance (2). Last evaluated 2022-09-07.

Conditions:
Inborn genetic diseases. Identifiers: MedGen C0950123, MeSH D030342.
Peroxisome biogenesis disorder 7A (Zellweger). Also called: Peroxisome biogenesis disorder 7A. Identifiers: Orphanet 912, MedGen C3888385, MONDO:0013938, OMIM 614872.
Peroxisome biogenesis disorder 7B (PBD7B). Identifiers: Orphanet 44, MedGen C3553951, MONDO:0013939, OMIM 614873.

Allele frequency attached by ClinVar (database versions not stated): gnomAD 0.00002; gnomAD exomes 0.00003; TOPMed 0.00003; ExAC 0.00003.

Submissions (2):

Labcorp Genetics (formerly Invitae), Labcorp
Classification: Uncertain significance for Peroxisome biogenesis disorder 7A (Zellweger); Peroxisome biogenesis disorder 7B. Last evaluated: 2022-09-07. Review status: criteria provided, single submitter. Criteria: Invitae Variant Classification Sherloc (09022015). Collection method: clinical testing. Allele origin: germline.
Comment: This sequence change replaces serine, which is neutral and polar, with leucine, which is neutral and non-polar, at codon 175 of the PEX26 protein (p.Ser175Leu). This variant is present in population databases (rs748291426, gnomAD 0.006%). This variant has not been reported in the literature in individuals affected with PEX26-related conditions. ClinVar contains an entry for this variant (Variation ID: 1435884). Algorithms developed to predict the effect of missense changes on protein structure and function output the following: SIFT: "Tolerated"; PolyPhen-2: "Benign"; Align-GVGD: "Class C0". The leucine amino acid residue is found in multiple mammalian species, which suggests that this missense change does not adversely affect protein function. In summary, the available evidence is currently insufficient to determine the role of this variant in disease. Therefore, it has been classified as a Variant of Uncertain Significance.

Ambry Genetics
Classification: Uncertain significance for Inborn genetic diseases. Last evaluated: 2021-03-31. Review status: criteria provided, single submitter. Criteria: Ambry Variant Classification Scheme 2023. Collection method: clinical testing. Allele origin: germline.

NM_001127649.3(PEX26):c.524C>T (p.Ser175Leu)

Gene: PEX26 (peroxisomal biogenesis factor 26; plus strand). Cytogenetic location: 22q11.21.
Variant type: single nucleotide variant.
Coding change: c.524C>T on transcript NM_001127649.3 (MANE Select); coding-DNA position 524, C replaced by T.
Protein change: p.Ser175Leu; replaces serine 175 with leucine.
Molecular consequence: missense variant.
Genome position (GRCh38, 1-based): chr22:18,083,589, C>T. VCF-style: chr22-18083589-C-T. GRCh37 (hg19) VCF-style: chr22-18566355-C-T.
Other names: c.524C>T, p.Ser175Leu (NM_001199319.2, NM_017929.6); c.524C>T (NM_017929.5); short protein forms S175L.
Identifiers: ClinVar variation 1435884 (VCV001435884.4), dbSNP rs748291426, ClinGen allele CA10093344.